The following is an entry in ClinVar:

NM_000487.6(ARSA):c.495G>A (p.Pro165=)

Gene: ARSA (arylsulfatase A; minus strand). Cytogenetic location: 22q13.33.
Variant type: single nucleotide variant.
Coding change: c.495G>A on transcript NM_000487.6 (MANE Select); coding-DNA position 495, G replaced by A.
Protein change: p.Pro165=; no amino-acid change (proline 165 retained).
Molecular consequence: synonymous variant.
Genome position (GRCh38, 1-based): chr22:50,627,023, C>T on the plus strand (G>A on the coding strand, the complement: ARSA is on the minus strand). VCF-style: chr22-50627023-C-T. GRCh37 (hg19) VCF-style: chr22-51065451-C-T.
Other names: p.Pro165=; c.495G>A, p.Pro165= (NM_001085425.3, NM_001085426.3, NM_001085427.3); c.237G>A, p.Pro79= (NM_001085428.3, NM_001362782.2).
Identifiers: ClinVar variation 899761 (VCV000899761.30), dbSNP rs145299072, ClinGen allele CA10324995.
Genomic context (GRCh38, chr22:50,627,023, plus strand): 5'-GGCCAACAGTGGGATGGGGACCAGGCCCTGGTCACAGCCACCGTCGCAAGGAGTGGCCGG[C>T]GGGAAGCAGGTCAGGTTCTGGCAGGGGCCCTGAGGCGGGCAGCTGCCGTGAGGGCTGGGC-3'
Protein context (NP_000478.3, residues 155-175): QGPCQNLTCF[Pro165=]PATPCDGGCD

ClinVar aggregate classification (germline): Benign/Likely benign. Review status: criteria provided, multiple submitters, no conflicts (2 of 4 stars). 9 submissions from 9 submitters: Benign (3); Likely benign (3). 3 of the submissions do not count toward it. Last evaluated 2026-09-01.

Conditions:
Metachromatic leukodystrophy (MLD). Also called: ARSA DEFICIENCY; CEREBROSIDE SULFATASE DEFICIENCY; SULFATIDE LIPIDOSIS; METACHROMATIC LEUKOENCEPHALOPATHY; Arylsulfatase A Deficiency; Cerebral sclerosis diffuse metachromatic form. Identifiers: Orphanet 512, MedGen C0023522, MONDO:0018868, OMIM 250100.

Allele frequency attached by ClinVar (database versions not stated): ExAC 0.00102; 1000 Genomes Project 30x 0.00156; 1000 Genomes Project 0.00180; ESP Exome Variant Server 0.00363; TOPMed 0.00374.
gnomAD v4.1: 1,053 of 1,609,234 alleles (0.065%); highest among the groups gnomAD compares: African/African-American, 1.3%; 9 homozygotes.

Submissions (9):

CeGaT Center for Human Genetics Tuebingen
Classification: Likely benign. Last evaluated: 2026-09-01. Review status: criteria provided, single submitter. Criteria: CeGaT Center For Human Genetics Tuebingen Variant Classification Criteria Version 2. Collection method: clinical testing. Allele origin: germline. Affected: yes. Observed: 2 variant alleles.
Comment: ARSA: BP4, BP7, BS1

Labcorp Genetics (formerly Invitae), Labcorp
Classification: Benign for Metachromatic leukodystrophy. Last evaluated: 2026-02-04. Review status: criteria provided, single submitter. Criteria: Invitae Variant Classification Sherloc (09022015). Collection method: clinical testing. Allele origin: germline.

Blueprint Genetics
Classification: Likely benign. Last evaluated: 2024-11-26. Review status: criteria provided, single submitter. Criteria: ACMG Guidelines, 2015. Collection method: clinical testing. Allele origin: germline.

GeneDx
Classification: Likely benign. Last evaluated: 2021-06-11. Review status: criteria provided, single submitter. Criteria: GeneDx Variant Classification Process June 2021. Collection method: clinical testing. Allele origin: germline. Affected: yes.

Mayo Clinic Laboratories, Mayo Clinic
Classification: Benign. Last evaluated: 2021-04-06. Review status: criteria provided, single submitter. Criteria: ACMG Guidelines, 2015. Collection method: clinical testing. Allele origin: germline. Observed: 5 variant alleles.

Illumina Laboratory Services, Illumina
Classification: Benign for Metachromatic leukodystrophy. Last evaluated: 2017-04-27. Review status: criteria provided, single submitter. Criteria: ICSL Variant Classification Criteria 13 December 2019. Collection method: clinical testing. Allele origin: germline.
Comment: This variant was observed as part of a predisposition screen in an ostensibly healthy population. A literature search was performed for the gene, cDNA change, and amino acid change (where applicable). No publications were found based on this search. Allele frequency data from public databases was too high to be consistent with this variant causing disease. Therefore, this variant is classified as benign.

Natera, Inc.
Classification: Benign for Metachromatic leukodystrophy. Last evaluated: 2019-11-11. Review status: no assertion criteria provided. Collection method: clinical testing. Allele origin: germline. Not counted in ClinVar's aggregate classification.

Clinical Genetics DNA and cytogenetics Diagnostics Lab, Erasmus MC, Erasmus Medical Center
Classification: Benign. Review status: no assertion criteria provided. Collection method: clinical testing. Allele origin: germline. Affected: yes. Study: VKGL Data-share Consensus. Not counted in ClinVar's aggregate classification.

Clinical Genetics, Academic Medical Center
Classification: Benign. Review status: no assertion criteria provided. Collection method: clinical testing. Allele origin: germline. Affected: yes. Study: VKGL Data-share Consensus. Not counted in ClinVar's aggregate classification.